The following is an entry in ClinVar:

NM_001128227.3(GNE):c.7A>G (p.Thr3Ala)

Gene: GNE (glucosamine (UDP-N-acetyl)-2-epimerase/N-acetylmannosamine kinase; minus strand). Cytogenetic location: 9p13.3.
Variant type: single nucleotide variant.
Coding change: c.7A>G on transcript NM_001128227.3 (MANE Plus Clinical); coding-DNA position 7, A replaced by G.
Protein change: p.Thr3Ala; replaces threonine 3 with alanine.
Molecular consequence: missense variant. On other transcripts: 5 prime UTR variant (1).
Genome position (GRCh38, 1-based): chr9:36,276,938, T>C on the plus strand (A>G on the coding strand, the complement: GNE is on the minus strand). VCF-style: chr9-36276938-T-C. GRCh37 (hg19) VCF-style: chr9-36276935-T-C.
Other names: c.-58A>G (NM_001190388.2); short protein forms T3A.
Identifiers: ClinVar variation 3764010 (VCV003764010.2).

ClinVar aggregate classification (germline): Uncertain significance (1 of 4 stars; one submission).

Conditions:
GNE myopathy (NM). Also called: INCLUSION BODY MYOPATHY, HEREDITARY, AUTOSOMAL RECESSIVE; INCLUSION BODY MYOPATHY 2, AUTOSOMAL RECESSIVE; MYOPATHY, DISTAL, WITH OR WITHOUT RIMMED VACUOLES; IBM 2; Inclusion body myopathy autosomal recessive; Inclusion body myopathy quadriceps sparing. Identifiers: Orphanet 602, MedGen C1853926, MONDO:0011603, OMIM 605820.
Sialuria. Also called: SIALURIA, FRENCH TYPE; Sialic Acid Storage Disease. Identifiers: Orphanet 3166, MedGen C0342853, MONDO:0010028, OMIM 269921.

gnomAD v4.1: 1 of 1,613,242 alleles (0.000062%); highest among the groups gnomAD compares: Non-Finnish European, 0.000085%; no homozygotes.

Submission:

Labcorp Genetics (formerly Invitae), Labcorp
Classification: Uncertain significance for Sialuria; GNE myopathy. Last evaluated: 2024-02-24. Review status: criteria provided, single submitter. Criteria: Invitae Variant Classification Sherloc (09022015). Collection method: clinical testing. Allele origin: germline.
Comment: This sequence change replaces threonine, which is neutral and polar, with alanine, which is neutral and non-polar, at codon 3 of the GNE protein (p.Thr3Ala). This variant is present in population databases (rs755693521, gnomAD 0.0009%). This variant has not been reported in the literature in individuals affected with GNE-related conditions. An algorithm developed to predict the effect of missense changes on protein structure and function (PolyPhen-2) suggests that this variant is likely to be tolerated. In summary, the available evidence is currently insufficient to determine the role of this variant in disease. Therefore, it has been classified as a Variant of Uncertain Significance.